The following is an entry in ClinVar:

NM_001848.3(COL6A1):c.1524+19G>A

Gene: COL6A1 (collagen type VI alpha 1 chain; plus strand). Cytogenetic location: 21q22.3.
Variant type: single nucleotide variant.
Coding change: c.1524+19G>A on transcript NM_001848.3 (MANE Select); 19 bases into the intron after coding-DNA position 1524, G replaced by A.
Molecular consequence: intron variant.
Genome position (GRCh38, 1-based): chr21:45,997,781, G>A. VCF-style: chr21-45997781-G-A. GRCh37 (hg19) VCF-style: chr21-47417695-G-A.
Identifiers: ClinVar variation 512715 (VCV000512715.9), dbSNP rs2276256, ClinGen allele CA10070362.

ClinVar aggregate classification (germline): Likely benign. Review status: criteria provided, multiple submitters, no conflicts (2 of 4 stars). 2 submissions from 2 submitters: Likely benign (2). Last evaluated 2025-01-27.

Conditions:
Bethlem myopathy 1A. Also called: MYOPATHY, BENIGN CONGENITAL, WITH CONTRACTURES; Bethlem myopathy 1; Bethlem Muscular Dystrophy. Identifiers: Orphanet 610, MedGen CN029274, MONDO:0024530, OMIM 158810.

Allele frequency attached by ClinVar (database versions not stated): TOPMed 0.00005.
gnomAD v4.1: 238 of 1,569,856 alleles (0.015%); highest among the groups gnomAD compares: Non-Finnish European, 0.019%; no homozygotes.

Submissions (2):

Labcorp Genetics (formerly Invitae), Labcorp
Classification: Likely benign for Bethlem myopathy 1A. Last evaluated: 2025-01-27. Review status: criteria provided, single submitter. Criteria: Invitae Variant Classification Sherloc (09022015). Collection method: clinical testing. Allele origin: germline.

GeneDx
Classification: Likely benign. Last evaluated: 2017-10-17. Review status: criteria provided, single submitter. Criteria: GeneDx Variant Classification (06012015). Collection method: clinical testing. Allele origin: germline. Affected: yes.
Comment: This variant is considered likely benign or benign based on one or more of the following criteria: it is a conservative change, it occurs at a poorly conserved position in the protein, it is predicted to be benign by multiple in silico algorithms, and/or has population frequency not consistent with disease.